The following is an entry in ClinVar:

NM_001164665.2(KIAA1549):c.2828C>T (p.Pro943Leu)

Gene: KIAA1549 (KIAA1549; minus strand). Cytogenetic location: 7q34.
Variant type: single nucleotide variant.
Coding change: c.2828C>T on transcript NM_001164665.2 (MANE Select); coding-DNA position 2828, C replaced by T.
Protein change: p.Pro943Leu; replaces proline 943 with leucine.
Molecular consequence: missense variant.
Genome position (GRCh38, 1-based): chr7:138,916,798, G>A on the plus strand (C>T on the coding strand, the complement: KIAA1549 is on the minus strand). VCF-style: chr7-138916798-G-A. GRCh37 (hg19) VCF-style: chr7-138601544-G-A.
Other names: c.2828C>T, p.Pro943Leu (NM_020910.3); c.2828C>T (NM_001164665.1); short protein forms P943L.
Identifiers: ClinVar variation 1043728 (VCV001043728.8), dbSNP rs374914142, ClinGen allele CA4506400.

ClinVar aggregate classification (germline): Uncertain significance (1 of 4 stars; one submission).

Conditions:
Retinitis pigmentosa 86. Identifiers: MedGen C5231428, MONDO:0032834, OMIM 618613.

Allele frequency attached by ClinVar (database versions not stated): gnomAD exomes 0.00004 and 0.00006; ExAC 0.00006; TOPMed 0.00006; ESP Exome Variant Server 0.00008.
gnomAD v4.1: 66 of 1,613,814 alleles (0.0041%); highest among the groups gnomAD compares: African/African-American, 0.0053%; no homozygotes.

Submission:

Labcorp Genetics (formerly Invitae), Labcorp
Classification: Uncertain significance. Last evaluated: 2025-03-17. Review status: criteria provided, single submitter. Criteria: Invitae Variant Classification Sherloc (09022015). Collection method: clinical testing. Allele origin: germline.
Comment: This sequence change replaces proline, which is neutral and non-polar, with leucine, which is neutral and non-polar, at codon 943 of the KIAA1549 protein (p.Pro943Leu). This variant is present in population databases (rs374914142, gnomAD 0.01%). This variant has not been reported in the literature in individuals affected with KIAA1549-related conditions. ClinVar contains an entry for this variant (Variation ID: 1043728). An algorithm developed to predict the effect of missense changes on protein structure and function outputs the following: PolyPhen-2: "Benign". The leucine amino acid residue is found in multiple mammalian species, which suggests that this missense change does not adversely affect protein function. In summary, the available evidence is currently insufficient to determine the role of this variant in disease. Therefore, it has been classified as a Variant of Uncertain Significance.